The following is an entry in ClinVar:

ClinVar aggregate classification (germline): Uncertain significance (1 of 4 stars; one submission).

Conditions:
Emery-Dreifuss muscular dystrophy 5, autosomal dominant (EDMD5). Also called: EMERY-DREIFUSS MUSCULAR DYSTROPHY 5. Identifiers: Orphanet 261, MedGen C2751805, MONDO:0013072, OMIM 612999.

Submission:

Labcorp Genetics (formerly Invitae), Labcorp
Classification: Uncertain significance for Emery-Dreifuss muscular dystrophy 5, autosomal dominant. Last evaluated: 2022-08-16. Review status: criteria provided, single submitter. Criteria: Invitae Variant Classification Sherloc (09022015). Collection method: clinical testing. Allele origin: germline.
Comment: In summary, the available evidence is currently insufficient to determine the role of this variant in disease. Therefore, it has been classified as a Variant of Uncertain Significance. This variant is not present in population databases (gnomAD no frequency). This sequence change replaces threonine, which is neutral and polar, with lysine, which is basic and polar, at codon 1121 of the SYNE2 protein (p.Thr1121Lys). This variant has not been reported in the literature in individuals affected with SYNE2-related conditions. ClinVar contains an entry for this variant (Variation ID: 1365219). Algorithms developed to predict the effect of missense changes on protein structure and function output the following: SIFT: "Deleterious"; PolyPhen-2: "Benign"; Align-GVGD: "Class C0". The lysine amino acid residue is found in multiple mammalian species, which suggests that this missense change does not adversely affect protein function.

NM_182914.3(SYNE2):c.3362C>A (p.Thr1121Lys)

Gene: SYNE2 (spectrin repeat containing nuclear envelope protein 2; plus strand). Cytogenetic location: 14q23.2.
Variant type: single nucleotide variant.
Coding change: c.3362C>A on transcript NM_182914.3 (MANE Select); coding-DNA position 3362, C replaced by A.
Protein change: p.Thr1121Lys; replaces threonine 1121 with lysine.
Molecular consequence: missense variant.
Genome position (GRCh38, 1-based): chr14:63,998,922, C>A. VCF-style: chr14-63998922-C-A. GRCh37 (hg19) VCF-style: chr14-64465640-C-A.
Other names: c.3362C>A, p.Thr1121Lys (NM_015180.6); short protein forms T1121K.
Identifiers: ClinVar variation 1365219 (VCV001365219.6), dbSNP rs2153500223, ClinGen allele CA389990947.